The following is an entry in ClinVar:

NM_014989.7(RIMS1):c.4668A>C (p.Glu1556Asp)

Gene: RIMS1 (regulating synaptic membrane exocytosis 1; plus strand). Cytogenetic location: 6q13.
Variant type: single nucleotide variant.
Coding change: c.4668A>C on transcript NM_014989.7 (MANE Select); coding-DNA position 4668, A replaced by C.
Protein change: p.Glu1556Asp; replaces glutamic acid 1556 with aspartic acid.
Molecular consequence: missense variant.
Genome position (GRCh38, 1-based): chr6:72,398,298, A>C. VCF-style: chr6-72398298-A-C. GRCh37 (hg19) VCF-style: chr6-73108000-A-C.
Other names: c.2628A>C, p.Glu876Asp (NM_001168407.2); c.2043A>C, p.Glu681Asp (NM_001168408.2, NM_001350430.2); c.1872A>C, p.Glu624Asp (NM_001168409.2); c.2070A>C, p.Glu690Asp (NM_001168410.2); c.249A>C, p.Glu83Asp (NM_001168411.2); c.2589A>C, p.Glu863Asp (NM_001350414.2); c.2685A>C, p.Glu895Asp (NM_001350415.2); c.2634A>C, p.Glu878Asp (NM_001350416.2); and 54 more; short protein forms E666D, E680D, E682D, E730D, E766D, E792D, E825D, E830D.
Identifiers: ClinVar variation 962871 (VCV000962871.9), dbSNP rs2098802156, ClinGen allele CA364820603.

ClinVar aggregate classification (germline): Uncertain significance (1 of 4 stars; one submission).

Submission:

Labcorp Genetics (formerly Invitae), Labcorp
Classification: Uncertain significance. Last evaluated: 2025-09-24. Review status: criteria provided, single submitter. Criteria: Invitae Variant Classification Sherloc (09022015). Collection method: clinical testing. Allele origin: germline.
Comment: This sequence change replaces glutamic acid, which is acidic and polar, with aspartic acid, which is acidic and polar, at codon 1556 of the RIMS1 protein (p.Glu1556Asp). This variant is not present in population databases (gnomAD no frequency). This variant has not been reported in the literature in individuals affected with RIMS1-related conditions. ClinVar contains an entry for this variant (Variation ID: 962871). An algorithm developed to predict the effect of missense changes on protein structure and function (PolyPhen-2) suggests that this variant is likely to be disruptive. In summary, the available evidence is currently insufficient to determine the role of this variant in disease. Therefore, it has been classified as a Variant of Uncertain Significance.